The following is an entry in ClinVar:

NM_000751.3(CHRND):c.524C>T (p.Thr175Met)

Gene: CHRND (cholinergic receptor nicotinic delta subunit; plus strand). Cytogenetic location: 2q37.1.
Variant type: single nucleotide variant.
Coding change: c.524C>T on transcript NM_000751.3 (MANE Select); coding-DNA position 524, C replaced by T.
Protein change: p.Thr175Met; replaces threonine 175 with methionine.
Molecular consequence: missense variant. On other transcripts: intron variant (1).
Genome position (GRCh38, 1-based): chr2:232,528,876, C>T. VCF-style: chr2-232528876-C-T. GRCh37 (hg19) VCF-style: chr2-233393586-C-T.
Other names: c.479C>T, p.Thr160Met (NM_001256657.2); c.221C>T, p.Thr74Met (NM_001311196.2); c.238+220C>T (NM_001311195.2); short protein forms T175M, T160M, T74M.
Identifiers: ClinVar variation 1047457 (VCV001047457.8), dbSNP rs752113659, ClinGen allele CA2168059.
Genomic context (GRCh38, chr2:232,528,876, plus strand): 5'-CCCAGCCACTGGCCGAGTGTCACTCTCTGCCCATTGCCCTCCCCAGTTCCCTCAAGTATA[C>T]GGCCAAAGAGATCACCCTGAGCCTGAAACAGGATGCCAAGGAGAACCGCACCTACCCCGT-3'
Protein context (NP_000742.1, residues 165-185): CSLKFSSLKY[Thr175Met]AKEITLSLKQ

ClinVar aggregate classification (germline): Uncertain significance (1 of 4 stars; one submission).

Conditions:
Lethal multiple pterygium syndrome (LMPS). Identifiers: Orphanet 33108, MedGen C1854678, MONDO:0009668, OMIM 253290.

Allele frequency attached by ClinVar (database versions not stated): TOPMed 0.00001; ExAC 0.00002; gnomAD exomes 0.00002 and 0.00001; gnomAD 0.00001.
gnomAD v4.1: 23 of 1,613,716 alleles (0.0014%); highest among the groups gnomAD compares: Middle Eastern, 0.016%; no homozygotes.

Submission:

Labcorp Genetics (formerly Invitae), Labcorp
Classification: Uncertain significance for Lethal multiple pterygium syndrome. Last evaluated: 2023-09-11. Review status: criteria provided, single submitter. Criteria: Invitae Variant Classification Sherloc (09022015). Collection method: clinical testing. Allele origin: germline.
Comment: This sequence change replaces threonine, which is neutral and polar, with methionine, which is neutral and non-polar, at codon 175 of the CHRND protein (p.Thr175Met). This variant is present in population databases (rs752113659, gnomAD 0.005%). This missense change has been observed in individual(s) with childhood-onset bifacial muscle weakness, dysarthria, scapular winging and partial type 2 muscle fiber atrophy (PMID: 29382405). ClinVar contains an entry for this variant (Variation ID: 1047457). Advanced modeling of protein sequence and biophysical properties (such as structural, functional, and spatial information, amino acid conservation, physicochemical variation, residue mobility, and thermodynamic stability) performed at Invitae indicates that this missense variant is not expected to disrupt CHRND protein function. In summary, the available evidence is currently insufficient to determine the role of this variant in disease. Therefore, it has been classified as a Variant of Uncertain Significance.

Literature cited by the submitters: PubMed 29382405.